The following is an entry in ClinVar:

ClinVar aggregate classification (germline): Uncertain significance (1 of 4 stars; one submission).

Conditions:
Niemann-Pick disease, type B. Also called: Chronic Visceral ASMD (Niemann-Pick Disease Type B; NPD-B). Identifiers: Orphanet 77293, MedGen C0268243, MONDO:0011871, OMIM 607616. Disease mechanism: loss of function.
Niemann-Pick disease, type A. Also called: SPHINGOMYELIN LIPIDOSIS; SPHINGOMYELINASE DEFICIENCY; Infantile Neurovisceral ASMD (Niemann-Pick Disease Type A; NPD-A). Identifiers: Orphanet 77292, MedGen C0268242, MONDO:0009756, OMIM 257200. Disease mechanism: loss of function.

gnomAD v4.1: 8 of 1,614,036 alleles (0.0005%); highest among the groups gnomAD compares: Non-Finnish European, 0.00068%; no homozygotes.

Submission:

Labcorp Genetics (formerly Invitae), Labcorp
Classification: Uncertain significance for Niemann-Pick disease, type B; Niemann-Pick disease, type A. Last evaluated: 2025-12-31. Review status: criteria provided, single submitter. Criteria: Invitae Variant Classification Sherloc (09022015). Collection method: clinical testing. Allele origin: germline.
Comment: This sequence change replaces serine, which is neutral and polar, with isoleucine, which is neutral and non-polar, at codon 323 of the SMPD1 protein (p.Ser323Ile). This variant is not present in population databases (gnomAD no frequency). This variant has not been reported in the literature in individuals affected with SMPD1-related conditions. Invitae Evidence Modeling of protein sequence and biophysical properties (such as structural, functional, and spatial information, amino acid conservation, physicochemical variation, residue mobility, and thermodynamic stability) has been performed for this missense variant. However, the output from this modeling did not meet the statistical confidence thresholds required to predict the impact of this variant on SMPD1 protein function. In summary, the available evidence is currently insufficient to determine the role of this variant in disease. Therefore, it has been classified as a Variant of Uncertain Significance.

NM_000543.5(SMPD1):c.968G>T (p.Ser323Ile)

Gene: SMPD1 (sphingomyelin phosphodiesterase 1; plus strand). Cytogenetic location: 11p15.4.
Variant type: single nucleotide variant.
Coding change: c.968G>T on transcript NM_000543.5 (MANE Select); coding-DNA position 968, G replaced by T.
Protein change: p.Ser323Ile; replaces serine 323 with isoleucine.
Molecular consequence: missense variant. On other transcripts: non-coding transcript variant (1).
Genome position (GRCh38, 1-based): chr11:6,392,033, G>T. VCF-style: chr11-6392033-G-T. GRCh37 (hg19) VCF-style: chr11-6413263-G-T.
Other names: c.965G>T, p.Ser322Ile (NM_001007593.3); c.968G>T, p.Ser323Ile (NM_001318087.2, NM_001365135.2); c.7G>T, p.Ala3Ser (NM_001318088.2); short protein forms A3S, S322I, S323I.
Identifiers: ClinVar variation 4787441 (VCV004787441.1).